The following is an entry in ClinVar:

NM_001271.4(CHD2):c.463C>A (p.Pro155Thr)

Gene: CHD2 (chromodomain helicase DNA binding protein 2; plus strand). Cytogenetic location: 15q26.1.
Variant type: single nucleotide variant.
Coding change: c.463C>A on transcript NM_001271.4 (MANE Select); coding-DNA position 463, C replaced by A.
Protein change: p.Pro155Thr; replaces proline 155 with threonine.
Molecular consequence: missense variant.
Genome position (GRCh38, 1-based): chr15:92,937,537, C>A. VCF-style: chr15-92937537-C-A. GRCh37 (hg19) VCF-style: chr15-93480767-C-A.
Other names: c.463C>A, p.Pro155Thr (NM_001042572.3); short protein forms P155T.
Identifiers: ClinVar variation 1716193 (VCV001716193.6), dbSNP rs748709803, ClinGen allele CA393899511.
Genomic context (GRCh38, chr15:92,937,537, plus strand): 5'-TCTTTTAGAAAAAAATTACTTTGTTTTGCTTTTGATCACAGAGAAAAATGGAAACAGGAA[C>A]CCTCAGAAGATGAACAGGAACAAGGCACCAGTGCAGAGAGTGAGCCAGAACAAAAAAAAG-3'
Protein context (NP_001262.3, residues 145-165): LKKQEKWKQE[Pro155Thr]SEDEQEQGTS

ClinVar aggregate classification (germline): Uncertain significance (1 of 4 stars; one submission).

Conditions:
Developmental and epileptic encephalopathy 94 (DEE94). Also called: CHD2-Related Neurodevelopmental Disorders; Epileptic encephalopathy, childhood-onset. Identifiers: Orphanet 1942, Orphanet 2382, MedGen C3809278, MONDO:0014150, OMIM 615369.

Submission:

Labcorp Genetics (formerly Invitae), Labcorp
Classification: Uncertain significance for Developmental and epileptic encephalopathy 94. Last evaluated: 2022-08-15. Review status: criteria provided, single submitter. Criteria: Invitae Variant Classification Sherloc (09022015). Collection method: clinical testing. Allele origin: germline.
Comment: This variant is not present in population databases (gnomAD no frequency). This variant has not been reported in the literature in individuals affected with CHD2-related conditions. Advanced modeling of protein sequence and biophysical properties (such as structural, functional, and spatial information, amino acid conservation, physicochemical variation, residue mobility, and thermodynamic stability) performed at Invitae indicates that this missense variant is not expected to disrupt CHD2 protein function. This sequence change replaces proline, which is neutral and non-polar, with threonine, which is neutral and polar, at codon 155 of the CHD2 protein (p.Pro155Thr). In summary, the available evidence is currently insufficient to determine the role of this variant in disease. Therefore, it has been classified as a Variant of Uncertain Significance.